The following is an entry in ClinVar:

NM_007194.4(CHEK2):c.1459C>T (p.Gln487Ter)

Gene: CHEK2 (checkpoint kinase 2; minus strand). Cytogenetic location: 22q12.1.
Variant type: single nucleotide variant.
Coding change: c.1459C>T on transcript NM_007194.4 (MANE Select); coding-DNA position 1459, C replaced by T.
Protein change: p.Gln487Ter; replaces glutamine 487 with a stop codon.
Molecular consequence: nonsense.
Genome position (GRCh38, 1-based): chr22:28,694,034, G>A on the plus strand (C>T on the coding strand, the complement: CHEK2 is on the minus strand). VCF-style: chr22-28694034-G-A. GRCh37 (hg19) VCF-style: chr22-29090022-G-A.
Other names: c.1588C>T, p.Gln530Ter (NM_001005735.3); c.796C>T, p.Gln266Ter (NM_001257387.3); c.1258C>T, p.Gln420Ter (NM_001349956.3); c.1372C>T, p.Gln458Ter (NM_145862.3); short protein forms Q487*, Q266*, Q420*, Q458*, Q530*.
Identifiers: ClinVar variation 231595 (VCV000231595.20), dbSNP rs876659250, ClinGen allele CA10581026.

ClinVar aggregate classification (germline): Pathogenic/Likely pathogenic. Review status: criteria provided, multiple submitters, no conflicts (2 of 4 stars). 5 submissions from 5 submitters: Pathogenic (4); Likely pathogenic (1). Last evaluated 2026-01-05.

Conditions:
Hereditary cancer-predisposing syndrome. Also called: Neoplastic Syndromes, Hereditary; Tumor predisposition; Hereditary Cancer Syndrome; Hereditary neoplastic syndrome. Identifiers: Orphanet 140162, MedGen C0027672, MeSH D009386, MONDO:0015356.
CHEK2-related cancer predisposition (TPDS4). Also called: CHEK2-related cancer susceptibility; TUMOR PREDISPOSITION SYNDROME 4; CANCER PREDISPOSITION SYNDROME, CHEK2-RELATED. Identifiers: Orphanet 524, MedGen C5882668, MONDO:0700271, OMIM 609265.
Familial cancer of breast. Also called: BREAST CANCER, FAMILIAL; hereditary breast carcinoma; Hereditary breast cancer. Identifiers: Orphanet 227535, MedGen C0346153, MONDO:0016419, OMIM 114480. Disease mechanism: loss of function.

Allele frequency attached by ClinVar (database versions not stated): gnomAD exomes below 0.00001 and 0.00002.
gnomAD v4.1: 2 of 1,592,608 alleles (0.00013%); highest among the groups gnomAD compares: East Asian, 0.0022%; no homozygotes.

Submissions (5):

Labcorp Genetics (formerly Invitae), Labcorp
Classification: Pathogenic for Familial cancer of breast. Last evaluated: 2026-01-05. Review status: criteria provided, single submitter. Criteria: Invitae Variant Classification Sherloc (09022015). Collection method: clinical testing. Allele origin: germline.
Comment: This sequence change creates a premature translational stop signal (p.Gln487*) in the CHEK2 gene. It is expected to result in an absent or disrupted protein product. Loss-of-function variants in CHEK2 are known to be pathogenic (PMID: 21876083, 24713400). This variant is present in population databases (no rsID available, gnomAD 0.02%). This premature translational stop signal has been observed in individual(s) with breast cancer (PMID: 36655350). ClinVar contains an entry for this variant (Variation ID: 231595). For these reasons, this variant has been classified as Pathogenic.

GeneDx
Classification: Pathogenic. Last evaluated: 2025-05-29. Review status: criteria provided, single submitter. Criteria: GeneDx Variant Classification Process June 2021. Collection method: clinical testing. Allele origin: germline. Affected: yes.
Comment: Nonsense variant predicted to result in protein truncation or nonsense mediated decay in a gene for which loss of function is a known mechanism of disease; Observed in individuals with breast cancer (PMID: 36655350, 35155181); Not observed at significant frequency in large population cohorts (gnomAD); This variant is associated with the following publications: (PMID: 29922827, 30612635, 32805687, 37725924, 36655350, 35155181)

Ambry Genetics
Classification: Pathogenic for Hereditary cancer-predisposing syndrome. Last evaluated: 2024-01-02. Review status: criteria provided, single submitter. Criteria: Ambry Variant Classification Scheme 2023. Collection method: clinical testing. Allele origin: germline.
Comment: The p.Q487* pathogenic mutation (also known as c.1459C>T), located in coding exon 12 of the CHEK2 gene, results from a C to T substitution at nucleotide position 1459. This changes the amino acid from a glutamine to a stop codon within coding exon 12. This alteration is expected to result in loss of function by premature protein truncation or nonsense-mediated mRNA decay. As such, this alteration is interpreted as a disease-causing mutation.

Myriad Genetics, Inc.
Classification: Pathogenic for Familial cancer of breast. Last evaluated: 2023-06-28. Review status: criteria provided, single submitter. Criteria: Myriad Autosomal Dominant, Autosomal Recessive and X-Linked Classification Criteria (2023). Collection method: clinical testing. Allele origin: unknown.
Comment: This variant is considered pathogenic. This variant creates a termination codon and is predicted to result in premature protein truncation.

Juno Genomics, Hangzhou Juno Genomics, Inc
Classification: Likely pathogenic for CHEK2-related cancer predisposition. Review status: criteria provided, single submitter. Criteria: ACMG Guidelines, 2015. Collection method: clinical testing. Allele origin: germline.
Comment: Absent from controls (or at extremely low frequency if recessive) in Genome Aggregation Database.;Null variant in a gene where loss of function (LOF) is a known mechanism of disease.

Literature cited by the submitters: PubMed 21876083 (cited by Labcorp Genetics (formerly Invitae), Labcorp); PubMed 24713400 (cited by Labcorp Genetics (formerly Invitae), Labcorp); PubMed 36655350 (cited by Labcorp Genetics (formerly Invitae), Labcorp).